The following is an entry in ClinVar:

ClinVar aggregate classification (germline): Uncertain significance (1 of 4 stars; one submission).

Conditions:
Hereditary cancer-predisposing syndrome. Also called: Tumor predisposition; Neoplastic Syndromes, Hereditary; Hereditary neoplastic syndrome; Hereditary Cancer Syndrome. Identifiers: Orphanet 140162, MedGen C0027672, MeSH D009386, MONDO:0015356.

Submission:

Ambry Genetics
Classification: Uncertain significance for Hereditary cancer-predisposing syndrome. Last evaluated: 2024-08-02. Review status: criteria provided, single submitter. Criteria: Ambry Variant Classification Scheme 2023. Collection method: clinical testing. Allele origin: germline.
Comment: The p.M85I variant (also known as c.255G>C), located in coding exon 2 of the TMEM127 gene, results from a G to C substitution at nucleotide position 255. The methionine at codon 85 is replaced by isoleucine, an amino acid with highly similar properties. This amino acid position is conserved. In addition, this alteration is predicted to be tolerated by in silico analysis. Based on the available evidence, the clinical significance of this variant remains unclear.

NM_017849.4(TMEM127):c.255G>C (p.Met85Ile)

Gene: TMEM127 (transmembrane protein 127; minus strand). Cytogenetic location: 2q11.2.
Variant type: single nucleotide variant.
Coding change: c.255G>C on transcript NM_017849.4 (MANE Select); coding-DNA position 255, G replaced by C.
Protein change: p.Met85Ile; replaces methionine 85 with isoleucine.
Molecular consequence: missense variant. On other transcripts: initiator codon variant (2).
Genome position (GRCh38, 1-based): chr2:96,254,987, C>G on the plus strand (G>C on the coding strand, the complement: TMEM127 is on the minus strand). VCF-style: chr2-96254987-C-G. GRCh37 (hg19) VCF-style: chr2-96920725-C-G.
Other names: c.255G>C, p.Met85Ile (NM_001193304.3); c.3G>C, p.Met1Ile (NM_001407282.1, NM_001407283.1); short protein forms M1I, M85I.
Identifiers: ClinVar variation 3457601 (VCV003457601.1).